The following is an entry in ClinVar:

NM_033380.3(COL4A5):c.147G>T (p.Glu49Asp)

Gene: COL4A5 (collagen type IV alpha 5 chain; plus strand). Cytogenetic location: Xq22.3.
Variant type: single nucleotide variant.
Coding change: c.147G>T on transcript NM_033380.3 (MANE Select); coding-DNA position 147, G replaced by T.
Protein change: p.Glu49Asp; replaces glutamic acid 49 with aspartic acid.
Molecular consequence: missense variant.
Genome position (GRCh38, 1-based): chrX:108,559,069, G>T. VCF-style: chrX-108559069-G-T. GRCh37 (hg19) VCF-style: chrX-107802299-G-T.
Other names: c.147G>T, p.Glu49Asp (NM_000495.5); short protein forms E49D.
Identifiers: ClinVar variation 1378664 (VCV001378664.6), dbSNP rs2147722129, ClinGen allele CA413913839.

ClinVar aggregate classification (germline): Uncertain significance (1 of 4 stars; one submission).

Submission:

Labcorp Genetics (formerly Invitae), Labcorp
Classification: Uncertain significance. Last evaluated: 2022-07-19. Review status: criteria provided, single submitter. Criteria: Invitae Variant Classification Sherloc (09022015). Collection method: clinical testing. Allele origin: germline.
Comment: In summary, the available evidence is currently insufficient to determine the role of this variant in disease. Therefore, it has been classified as a Variant of Uncertain Significance. Advanced modeling of protein sequence and biophysical properties (such as structural, functional, and spatial information, amino acid conservation, physicochemical variation, residue mobility, and thermodynamic stability) performed at Invitae indicates that this missense variant is not expected to disrupt COL4A5 protein function. ClinVar contains an entry for this variant (Variation ID: 1378664). This variant has not been reported in the literature in individuals affected with COL4A5-related conditions. This variant is not present in population databases (gnomAD no frequency). This sequence change replaces glutamic acid, which is acidic and polar, with aspartic acid, which is acidic and polar, at codon 49 of the COL4A5 protein (p.Glu49Asp).